The following is an entry in ClinVar:

ClinVar aggregate classification (germline): Uncertain significance. Review status: criteria provided, multiple submitters, no conflicts (2 of 4 stars). 2 submissions from 2 submitters: Uncertain significance (2). Last evaluated 2023-03-21.

Conditions:
Inborn genetic diseases. Identifiers: MedGen C0950123, MeSH D030342.
Congenital myopathy with internal nuclei and atypical cores. Also called: Myopathy, centronuclear, 4. Identifiers: Orphanet 319160, MedGen C4707232, MONDO:0013890, OMIM 614807.

Allele frequency attached by ClinVar (database versions not stated): gnomAD exomes below 0.00001 and 0.00001; gnomAD 0.00001; TOPMed 0.00002; ExAC 0.00003.
gnomAD v4.1: 8 of 1,608,366 alleles (0.0005%); highest among the groups gnomAD compares: East Asian, 0.0022%; no homozygotes.

Submissions (2):

Ambry Genetics
Classification: Uncertain significance for Inborn genetic diseases. Last evaluated: 2023-03-21. Review status: criteria provided, single submitter. Criteria: Ambry Variant Classification Scheme 2023. Collection method: clinical testing. Allele origin: germline.

Labcorp Genetics (formerly Invitae), Labcorp
Classification: Uncertain significance for Congenital myopathy with internal nuclei and atypical cores. Last evaluated: 2020-11-30. Review status: criteria provided, single submitter. Criteria: Invitae Variant Classification Sherloc (09022015). Collection method: clinical testing. Allele origin: germline.
Comment: This sequence change replaces alanine with valine at codon 284 of the CCDC78 protein (p.Ala284Val). The alanine residue is moderately conserved and there is a small physicochemical difference between alanine and valine. This variant is present in population databases (rs749614530, ExAC 0.01%). This variant has not been reported in the literature in individuals with CCDC78-related conditions. Algorithms developed to predict the effect of missense changes on protein structure and function are either unavailable or do not agree on the potential impact of this missense change (SIFT: "Deleterious"; PolyPhen-2: "Probably Damaging"; Align-GVGD: "Class C0"). In summary, the available evidence is currently insufficient to determine the role of this variant in disease. Therefore, it has been classified as a Variant of Uncertain Significance.

NM_001378030.1(CCDC78):c.851C>T (p.Ala284Val)

Gene: CCDC78 (coiled-coil domain containing 78; minus strand). Cytogenetic location: 16p13.3.
Variant type: single nucleotide variant.
Coding change: c.851C>T on transcript NM_001378030.1 (MANE Select); coding-DNA position 851, C replaced by T.
Protein change: p.Ala284Val; replaces alanine 284 with valine.
Molecular consequence: missense variant. On other transcripts: non-coding transcript variant (5).
Genome position (GRCh38, 1-based): chr16:724,424, G>A on the plus strand (C>T on the coding strand, the complement: CCDC78 is on the minus strand). VCF-style: chr16-724424-G-A. GRCh37 (hg19) VCF-style: chr16-774424-G-A.
Other names: c.851C>T (NM_001031737.2); c.851C>T, p.Ala284Val (NM_001031737.3, NM_001378031.1); c.284C>T, p.Ala95Val (NM_001378033.1); short protein forms A284V, A95V.
Identifiers: ClinVar variation 1523065 (VCV001523065.9), dbSNP rs749614530, ClinGen allele CA7789380.
Genomic context (GRCh38, chr16:724,424, plus strand): 5'-ACCAGCCTCTTGTGGTAGCTGCGGGCAGCCCGGGCCAGCTGCTGCTCACGGCTGCGGTGC[G>A]CTGCCCGGATGTCCTCCAGAGTCGCCTCCAGGAATGTCCGGAGGGCCGTGGTGGCTGGCG-3'
Protein context (NP_001364959.1, residues 274-294): LEATLEDIRA[Ala284Val]HRSREQQLAR